The following is an entry in ClinVar:

ClinVar aggregate classification (germline): Conflicting classifications of pathogenicity. Review status: criteria provided, conflicting classifications (1 of 4 stars). 4 submissions from 4 submitters: Likely pathogenic (3); Uncertain significance (1). Last evaluated 2025-09-03.

Conditions:
Alport syndrome. Also called: Hemorrhagic familial nephritis; Hemorrhagic hereditary nephritis; Congenital hereditary hematuria. Identifiers: Orphanet 63, MedGen C1567741, MONDO:0018965.
Autosomal recessive Alport syndrome (ATS2). Also called: COL4A4 Alport Syndrome and Thin Basement Membrane Nephropathy; ALPORT SYNDROME 2, AUTOSOMAL RECESSIVE; Alport syndrome type 2; COL4A3-Related Nephropathy. Identifiers: Orphanet 63, Orphanet 88919, MedGen C4746745, MONDO:0008762, OMIM 203780.
Hematuria, benign familial, 1 (BFH1). Also called: THIN MEMBRANE NEPHROPATHY. Identifiers: MedGen CN376803, MONDO:0007709, OMIM 141200.

Allele frequency attached by ClinVar (database versions not stated): gnomAD exomes below 0.00001.
gnomAD v4.1: 1 of 1,611,940 alleles (0.000062%); highest among the groups gnomAD compares: Non-Finnish European, 0.000085%; no homozygotes.

Submissions (4):

Natera, Inc.
Classification: Likely pathogenic for Alport syndrome. Last evaluated: 2025-09-03. Review status: criteria provided, single submitter. Criteria: Natera Variant Classification Schema (03/2026). Collection method: clinical testing. Allele origin: germline.
Comment: The c.676G>A variant in COL4A4 is a missense variant predicted to cause substitution of glycine to arginine at amino acid 226. This variant is rare in the general population with a frequency below the threshold expected for the associated phenotype(s). This variant is located in a functionally critical region of the protein. Computational prediction algorithms indicate this variant is likely to affect gene or protein function. Given the available evidence, this variant is classified as Likely Pathogenic.

Labcorp Genetics (formerly Invitae), Labcorp
Classification: Uncertain significance. Last evaluated: 2025-06-12. Review status: criteria provided, single submitter. Criteria: Invitae Variant Classification Sherloc (09022015). Collection method: clinical testing. Allele origin: germline.
Comment: This sequence change replaces glycine, which is neutral and non-polar, with arginine, which is basic and polar, at codon 226 of the COL4A4 protein (p.Gly226Arg). This variant is not present in population databases (gnomAD no frequency). This variant has not been reported in the literature in individuals affected with COL4A4-related conditions. ClinVar contains an entry for this variant (Variation ID: 3236044). Invitae Evidence Modeling of protein sequence and biophysical properties (such as structural, functional, and spatial information, amino acid conservation, physicochemical variation, residue mobility, and thermodynamic stability) indicates that this missense variant is expected to disrupt COL4A4 protein function with a positive predictive value of 95%. In summary, the available evidence is currently insufficient to determine the role of this variant in disease. Therefore, it has been classified as a Variant of Uncertain Significance.

Fulgent Genetics
Classification: Likely pathogenic for Hematuria, benign familial, 1; Autosomal recessive Alport syndrome. Last evaluated: 2024-05-14. Review status: criteria provided, single submitter. Criteria: ACMG Guidelines, 2015. Collection method: clinical testing. Allele origin: germline.

MVZ Medizinische Genetik Mainz
Classification: Likely pathogenic for Autosomal recessive Alport syndrome. Last evaluated: 2022-02-10. Review status: criteria provided, single submitter. Criteria: UK Practice Guidelines For Variant Classification V4 01 2020. Collection method: clinical testing. Allele origin: germline. Inheritance: Autosomal dominant inheritance. Affected: yes. Observed: 1 variant allele.
Comment: ACMG Criteria: PM1_STR, PS4_SUP, PM2_SUP, PP3, PP4 (ACMG Version 3)

NM_000092.5(COL4A4):c.676G>A (p.Gly226Arg)

Gene: COL4A4 (collagen type IV alpha 4 chain; minus strand). Cytogenetic location: 2q36.3.
Variant type: single nucleotide variant.
Coding change: c.676G>A on transcript NM_000092.5 (MANE Select); coding-DNA position 676, G replaced by A.
Protein change: p.Gly226Arg; replaces glycine 226 with arginine.
Molecular consequence: missense variant.
Genome position (GRCh38, 1-based): chr2:227,108,850, C>T on the plus strand (G>A on the coding strand, the complement: COL4A4 is on the minus strand). VCF-style: chr2-227108850-C-T. GRCh37 (hg19) VCF-style: chr2-227973566-C-T.
Other names: short protein forms G226R.
Identifiers: ClinVar variation 3236044 (VCV003236044.5), dbSNP rs2475786944, ClinGen allele CA350859549.